The following is an entry in ClinVar:

ClinVar aggregate classification (germline): Uncertain significance (1 of 4 stars; one submission).

Conditions:
NF1-related disorder. Also called: NF1-related condition. Identifiers: MedGen CN379171.

Submission:

PreventionGenetics, part of Exact Sciences
Classification: Uncertain significance for NF1-related condition. Last evaluated: 2025-09-22. Review status: criteria provided, single submitter. Criteria: ACMG Guidelines, 2015. Collection method: clinical testing. Allele origin: germline.
Comment: The NF1 c.1527+1169delT variant is predicted to result in an intronic deletion. This variant is predicted to impact splicing based on a splicing prediction program (SpliceAI, Jaganathan K, et al. 2019. PubMed ID: 30661751). To our knowledge, this variant has not been reported in the literature or in a large population database (gnomAD), indicating this variant is rare. Of note, other nearby variants within intron 13 have been described in individuals with NF1-related disorders (Giugliano et al. 2019. PubMed ID: 31370276; Table S1 in Koczkowska et al. 2023. PubMed ID: 37186028). At this time, the clinical significance of the c.1527+1169delT variant is uncertain due to the absence of conclusive functional and genetic evidence.

NM_001042492.3(NF1):c.1527+1169del

Gene: NF1 (neurofibromin 1; plus strand). Cytogenetic location: 17q11.2.
Variant type: Deletion.
Coding change: c.1527+1169del on transcript NM_001042492.3 (MANE Select); 1169 bases into the intron after coding-DNA position 1527, one base deleted (T; older notation c.1527+1169delT).
Molecular consequence: intron variant.
Genome position (GRCh38, 1-based): chr17:31,215,754, T deleted; the last of 2 consecutive T bases (chr17:31,215,753-31,215,754); deleting either gives the same sequence. VCF-style (leftmost placement, unchanged base first): chr17-31215752-CT-C. GRCh37 (hg19) VCF-style: chr17-29542770-CT-C.
Other names: c.1527+1169del (NM_000267.4, NM_001128147.3).
Identifiers: ClinVar variation 4983328 (VCV004983328.1).
Genomic context (GRCh38, chr17:31,215,752, plus strand): 5'-GACATGTTTAACCTTTGTTGAGCTTCTTCAGTCCCTGGAGAGCAGCATCAAGCAAGGTTT[CT>C]TATCGTTTTGCTCAGTAACTGGCTTTTTAAAAAGTGTTAAGGTGCTTTCGATTTTGGTGG-3'